The following is an entry in ClinVar:

NM_000088.4(COL1A1):c.904-9G>T

Genes: COL1A1 (collagen type I alpha 1 chain; minus strand), LOC126862586 (CDK7 strongly-dependent group 2 enhancer GRCh37_chr17:48273702-48274901; plus strand). Cytogenetic location: 17q21.33.
Variant type: single nucleotide variant.
Coding change: c.904-9G>T on transcript NM_000088.4 (MANE Select); 9 bases into the intron before coding-DNA position 904, G replaced by T.
Molecular consequence: intron variant.
Genome position (GRCh38, 1-based): chr17:50,196,376, C>A on the plus strand (G>T on the coding strand, the complement: COL1A1 is on the minus strand). VCF-style: chr17-50196376-C-A. GRCh37 (hg19) VCF-style: chr17-48273737-C-A.
Other names: p.?.
Identifiers: ClinVar variation 35930 (VCV000035930.69), dbSNP rs141726413, ClinGen allele CA260329.

ClinVar aggregate classification (germline): Benign/Likely benign. Review status: criteria provided, multiple submitters, no conflicts (2 of 4 stars). 18 submissions from 15 submitters: Benign (14); Likely benign (4). Last evaluated 2026-09-01.

Conditions:
Connective tissue disorder. Also called: Connective tissue disease. Identifiers: MedGen C0009782, MONDO:0003900.
Ehlers-Danlos syndrome (EDS). Identifiers: Orphanet 98249, MedGen C0013720, MONDO:0020066.
Ehlers-Danlos syndrome, arthrochalasia type. Also called: Ehlers-Danlos syndrome, arthrochalasis type; Ehlers-Danlos syndrome, arthrochalasia type, 1; EDS VII, MUTANT PROCOLLAGEN TYPE; EDS VIIA; ARTHROCHALASIS MULTIPLEX CONGENITA. Identifiers: Orphanet 1899, Orphanet 99875, Orphanet 99876, MedGen C4551623, MONDO:0007525, OMIM 130060.
Osteogenesis imperfecta (OI). Identifiers: Orphanet 666, MedGen C0029434, MeSH D010013, MONDO:0019019.
Infantile cortical hyperostosis. Also called: Hyperostosis, Cortical, Congenital; P1PK BLOOD GROUP SYSTEM, P(2) PHENOTYPE; Caffey Disease. Identifiers: Orphanet 1310, MedGen C0020497, MONDO:0007244, OMIM 114000.
Osteogenesis imperfecta type I (OI1). Also called: Lobstein's Disease; Osteogenesis imperfecta type 1; Classic Non-deforming Osteogenesis Imperfecta with Blue Sclerae; OI, TYPE I; OSTEOGENESIS IMPERFECTA TARDA; OSTEOGENESIS IMPERFECTA WITH BLUE SCLERAE. Identifiers: Orphanet 216796, Orphanet 666, MedGen C0023931, MONDO:0008146, OMIM 166200. Disease mechanism: loss of function.

Allele frequency attached by ClinVar (database versions not stated): ExAC 0.00885; 1000 Genomes Project 30x 0.00250; TOPMed 0.00602; 1000 Genomes Project 0.00240; gnomAD 0.00663 and 0.00680; ESP Exome Variant Server 0.00692; gnomAD exomes 0.00751.
gnomAD v4.1: 14,962 of 1,613,882 alleles (0.93%); highest among the groups gnomAD compares: Non-Finnish European, 1.1%; 90 homozygotes.

Submissions (18):

CeGaT Center for Human Genetics Tuebingen
Classification: Benign. Last evaluated: 2026-09-01. Review status: criteria provided, single submitter. Criteria: CeGaT Center For Human Genetics Tuebingen Variant Classification Criteria Version 2. Collection method: clinical testing. Allele origin: germline. Affected: yes. Observed: 56 variant alleles.
Comment: COL1A1: BP4, BS1, BS2

Labcorp Genetics (formerly Invitae), Labcorp
Classification: Benign for Osteogenesis imperfecta type I. Last evaluated: 2026-02-03. Review status: criteria provided, single submitter. Criteria: Invitae Variant Classification Sherloc (09022015). Collection method: clinical testing. Allele origin: germline.

ARUP Laboratories, Molecular Genetics and Genomics, ARUP Laboratories
Classification: Benign. Last evaluated: 2025-07-17. Review status: criteria provided, single submitter. Criteria: ARUP Molecular Germline Variant Investigation Process 2024. Collection method: clinical testing. Allele origin: germline.

Molecular Diagnostic Laboratory for Inherited Cardiovascular Disease, Montreal Heart Institute
Classification: Benign. Last evaluated: 2025-04-09. Review status: criteria provided, single submitter. Criteria: ACMG Guidelines, 2015. Collection method: clinical testing. Allele origin: germline. Affected: no.
Comment: BS1

Blueprint Genetics
Classification: Benign. Last evaluated: 2024-11-27. Review status: criteria provided, single submitter. Criteria: ACMG Guidelines, 2015. Collection method: clinical testing. Allele origin: germline.

Mayo Clinic Laboratories, Mayo Clinic
Classification: Benign. Last evaluated: 2023-11-24. Review status: criteria provided, single submitter. Criteria: ACMG Guidelines, 2015. Collection method: clinical testing. Allele origin: germline. Observed: 101 variant alleles.
Comment: BS1, BS2, BP4, BP7

Genome Diagnostics Laboratory, The Hospital for Sick Children
Classification: Benign for Osteogenesis imperfecta. Last evaluated: 2022-07-16. Review status: criteria provided, single submitter. Criteria: ACMG Guidelines, 2015. Collection method: clinical testing. Allele origin: germline.

Genome Diagnostics Laboratory, The Hospital for Sick Children
Classification: Benign for Ehlers-Danlos syndrome. Last evaluated: 2022-07-07. Review status: criteria provided, single submitter. Criteria: ACMG Guidelines, 2015. Collection method: clinical testing. Allele origin: germline.

Women's Health and Genetics/Laboratory Corporation of America, LabCorp
Classification: Benign. Last evaluated: 2018-09-06. Review status: criteria provided, single submitter. Criteria: LabCorp Variant Classification Summary - May 2015. Collection method: clinical testing. Allele origin: germline.
Comment: Variant summary: COL1A1 c.904-9G>T is located at a position not widely known to affect splicing. The variant allele was found at a frequency of 0.0077 in 276078 control chromosomes, predominantly at a frequency of 0.012 within the Non-Finnish European subpopulation in the gnomAD database, including 14 homozygotes. The observed variant frequency within Non-Finnish European control individuals in the gnomAD database is approximately 426.66 fold of the estimated maximal expected allele frequency for a pathogenic variant in COL1A1 causing Osteogenesis Imperfecta phenotype (2.8e-05), strongly suggesting that the variant is a benign polymorphism found primarily in populations of Non-Finnish European origin. Four clinical diagnostic laboratories have submitted clinical-significance assessments for this variant to ClinVar after 2014 without evidence for independent evaluation. All laboratories classified the variant as benign/likely benign. Based on the evidence outlined above, the variant was classified as benign.

Athena Diagnostics
Classification: Benign. Last evaluated: 2018-04-10. Review status: criteria provided, single submitter. Criteria: Athena Diagnostics Criteria. Collection method: clinical testing. Allele origin: germline.

Illumina Laboratory Services, Illumina
Classification: Benign for Ehlers-Danlos syndrome, arthrochalasia type. Last evaluated: 2018-01-13. Review status: criteria provided, single submitter. Criteria: ICSL Variant Classification Criteria 13 December 2019. Collection method: clinical testing. Allele origin: germline.
Comment: This variant was observed in the ICSL laboratory as part of a predisposition screen in an ostensibly healthy population. It had not been previously curated by ICSL or reported in the Human Gene Mutation Database (HGMD: prior to June 1st, 2018), and was therefore a candidate for classification through an automated scoring system. Utilizing variant allele frequency, disease prevalence and penetrance estimates, and inheritance mode, an automated score was calculated to assess if this variant is too frequent to cause the disease. Based on the score and internal cut-off values, a variant classified as benign is not then subjected to further curation. The score for this variant resulted in a classification of benign for this disease.

Illumina Laboratory Services, Illumina
Classification: Likely benign for Infantile cortical hyperostosis. Last evaluated: 2018-01-13. Review status: criteria provided, single submitter. Criteria: ICSL Variant Classification Criteria 13 December 2019. Collection method: clinical testing. Allele origin: germline.
Comment: This variant was observed in the ICSL laboratory as part of a predisposition screen in an ostensibly healthy population. It had not been previously curated by ICSL or reported in the Human Gene Mutation Database (HGMD: prior to June 1st, 2018), and was therefore a candidate for classification through an automated scoring system. Utilizing variant allele frequency, disease prevalence and penetrance estimates, and inheritance mode, an automated score was calculated to assess if this variant is too frequent to cause the disease. Based on the score and internal cut-off values, a variant classified as likely benign is not then subjected to further curation. The score for this variant resulted in a classification of likely benign for this disease.

Illumina Laboratory Services, Illumina
Classification: Benign for Osteogenesis imperfecta. Last evaluated: 2018-01-13. Review status: criteria provided, single submitter. Criteria: ICSL Variant Classification Criteria 13 December 2019. Collection method: clinical testing. Allele origin: germline.
Comment: the same text as in the submission from Illumina Laboratory Services, Illumina above.

Center for Human Genetics, Inc
Classification: Likely benign for Connective tissue disorder. Last evaluated: 2016-11-01. Review status: criteria provided, single submitter. Criteria: ACMG Guidelines, 2015. Collection method: clinical testing. Allele origin: germline. Affected: yes.

GeneDx
Classification: Benign. Last evaluated: 2016-10-05. Review status: criteria provided, single submitter. Criteria: GeneDx Variant Classification (06012015). Collection method: clinical testing. Allele origin: germline. Affected: yes.
Comment: This variant is considered likely benign or benign based on one or more of the following criteria: it is a conservative change, it occurs at a poorly conserved position in the protein, it is predicted to be benign by multiple in silico algorithms, and/or has population frequency not consistent with disease.

Eurofins Ntd Llc (ga)
Classification: Benign. Last evaluated: 2015-08-05. Review status: criteria provided, single submitter. Criteria: EGL Classification Definitions 2015. Collection method: clinical testing. Allele origin: germline. Observed: 1 variant allele, 1 heterozygote.

Breakthrough Genomics
Classification: Likely benign. Review status: criteria provided, single submitter. Criteria: ACMG Guidelines, 2015. Collection method: not provided. Allele origin: germline. Inheritance: Autosomal dominant inheritance. Affected: yes.

PreventionGenetics, part of Exact Sciences
Classification: Likely benign. Review status: criteria provided, single submitter. Criteria: ACMG Guidelines, 2015. Collection method: clinical testing. Allele origin: germline.

Literature cited by the submitters: PubMed 29543922 (cited by Mayo Clinic Laboratories, Mayo Clinic).